The following is an entry in ClinVar:

NM_001355436.2(SPTB):c.4891C>T (p.Arg1631Cys)

Gene: SPTB (spectrin beta, erythrocytic; minus strand). Cytogenetic location: 14q23.3.
Variant type: single nucleotide variant.
Coding change: c.4891C>T on transcript NM_001355436.2 (MANE Select); coding-DNA position 4891, C replaced by T.
Protein change: p.Arg1631Cys; replaces arginine 1631 with cysteine.
Molecular consequence: missense variant.
Genome position (GRCh38, 1-based): chr14:64,774,479, G>A on the plus strand (C>T on the coding strand, the complement: SPTB is on the minus strand). VCF-style: chr14-64774479-G-A. GRCh37 (hg19) VCF-style: chr14-65241197-G-A.
Other names: p.(Arg1631Cys); c.4891C>T, p.Arg1631Cys (NM_001024858.4, NM_001355437.2); short protein forms R1631C.
Identifiers: ClinVar variation 995651 (VCV000995651.10), dbSNP rs372503030, ClinGen allele CA7230158.

ClinVar aggregate classification (germline): Uncertain significance. Review status: criteria provided, multiple submitters, no conflicts (2 of 4 stars). 3 submissions from 3 submitters: Uncertain significance (3). Last evaluated 2025-12-24.

Conditions:
Hereditary spherocytosis type 2. Also called: SPHEROCYTOSIS, TYPE 2, AUTOSOMAL DOMINANT. Identifiers: Orphanet 822, MedGen C2674219, MONDO:0000913, OMIM 616649.

Allele frequency attached by ClinVar (database versions not stated): gnomAD exomes 0.00007 and 0.00018; ExAC 0.00014; TOPMed 0.00015; gnomAD 0.00010 and 0.00011; ESP Exome Variant Server 0.00008.
gnomAD v4.1: 113 of 1,556,072 alleles (0.0073%); highest among the groups gnomAD compares: Admixed American, 0.054%; no homozygotes.

Submissions (3):

Labcorp Genetics (formerly Invitae), Labcorp
Classification: Uncertain significance. Last evaluated: 2025-12-24. Review status: criteria provided, single submitter. Criteria: Invitae Variant Classification Sherloc (09022015). Collection method: clinical testing. Allele origin: germline.
Comment: This sequence change replaces arginine, which is basic and polar, with cysteine, which is neutral and slightly polar, at codon 1631 of the SPTB protein (p.Arg1631Cys). This variant is present in population databases (rs372503030, gnomAD 0.07%). This variant has not been reported in the literature in individuals affected with SPTB-related conditions. ClinVar contains an entry for this variant (Variation ID: 995651). An algorithm developed to predict the effect of missense changes on protein structure and function (PolyPhen-2) suggests that this variant is likely to be disruptive. In summary, the available evidence is currently insufficient to determine the role of this variant in disease. Therefore, it has been classified as a Variant of Uncertain Significance.

Department of Pediatrics, Duzce University
Classification: Uncertain significance for Hereditary spherocytosis type 2. Last evaluated: 2024-02-12. Review status: criteria provided, single submitter. Criteria: ACMG Guidelines, 2015. Collection method: research. Allele origin: germline. Inheritance: Autosomal dominant inheritance. Affected: yes.
Comment: Missense variant p.(Arg1631Cys) of uncertain significance. Rare in population databases (PM2_supporting); in silico predictions insufficient or conflicting; no adequate functional or segregation evidence. Applied ACMG/AMP criteria: PM2_supporting. Classification: Uncertain significance.

ARUP Laboratories, Molecular Genetics and Genomics, ARUP Laboratories
Classification: Uncertain significance. Last evaluated: 2019-10-23. Review status: criteria provided, single submitter. Criteria: ARUP Molecular Germline Variant Investigation Process. Collection method: clinical testing. Allele origin: germline.